The following is an entry in ClinVar:

ClinVar aggregate classification (germline): Uncertain significance. Review status: criteria provided, single submitter (1 of 4 stars). 2 submissions from 2 submitters: Uncertain significance (1). 1 of the submissions does not count toward it. Last evaluated 2022-06-20.

Conditions:
Epilepsy, juvenile myoclonic, susceptibility to, 10. Identifiers: MedGen C4693613, MONDO:0060671, OMIM 617924.

Allele frequency attached by ClinVar (database versions not stated): gnomAD 0.00001; TOPMed 0.00002; ESP Exome Variant Server 0.00008.
gnomAD v4.1: 69 of 1,613,964 alleles (0.0043%); highest among the groups gnomAD compares: East Asian, 0.094%; no homozygotes.

Submissions (2):

Labcorp Genetics (formerly Invitae), Labcorp
Classification: Uncertain significance. Last evaluated: 2022-06-20. Review status: criteria provided, single submitter. Criteria: Invitae Variant Classification Sherloc (09022015). Collection method: clinical testing. Allele origin: germline.
Comment: In summary, the available evidence is currently insufficient to determine the role of this variant in disease. Therefore, it has been classified as a Variant of Uncertain Significance. Experimental studies have shown that this missense change affects ICK function (PMID: 29539279, 32178256). Algorithms developed to predict the effect of missense changes on protein structure and function output the following: SIFT: "Tolerated"; PolyPhen-2: "Benign"; Align-GVGD: "Class C0". The threonine amino acid residue is found in multiple mammalian species, which suggests that this missense change does not adversely affect protein function. ClinVar contains an entry for this variant (Variation ID: 518219). This variant has not been reported in the literature in individuals affected with ICK-related conditions. This variant is present in population databases (rs55932059, gnomAD 0.04%). This sequence change replaces alanine, which is neutral and non-polar, with threonine, which is neutral and polar, at codon 615 of the ICK protein (p.Ala615Thr).

OMIM
Classification: risk factor for EPILEPSY, JUVENILE MYOCLONIC, SUSCEPTIBILITY TO, 10. Last evaluated: 2018-04-05. Review status: no assertion criteria provided. Collection method: literature only. Allele origin: germline. Not counted in ClinVar's aggregate classification.

Literature cited by the submitters: PubMed 29539279 (cited by Labcorp Genetics (formerly Invitae), Labcorp and OMIM); PubMed 32178256 (cited by Labcorp Genetics (formerly Invitae), Labcorp).

NM_014920.5(CILK1):c.1843G>A (p.Ala615Thr)

Gene: CILK1 (ciliogenesis associated kinase 1; minus strand). Cytogenetic location: 6p12.1.
Variant type: single nucleotide variant.
Coding change: c.1843G>A on transcript NM_014920.5 (MANE Select); coding-DNA position 1843, G replaced by A.
Protein change: p.Ala615Thr; replaces alanine 615 with threonine.
Molecular consequence: missense variant. On other transcripts: non-coding transcript variant (1).
Genome position (GRCh38, 1-based): chr6:53,005,205, C>T on the plus strand (G>A on the coding strand, the complement: CILK1 is on the minus strand). VCF-style: chr6-53005205-C-T. GRCh37 (hg19) VCF-style: chr6-52870003-C-T.
Other names: c.1864G>A, p.Ala622Thr (NM_001375397.1); c.1843G>A, p.Ala615Thr (NM_001375398.1, NM_001375399.1, NM_001375400.1 and 3 more transcripts); short protein forms A615T, A622T.
Identifiers: ClinVar variation 518219 (VCV000518219.5), dbSNP rs55932059, ClinGen allele CA3858445.